The following is an entry in ClinVar:

NM_001258392.3(CLPB):c.1620C>T (p.Pro540=)

Gene: CLPB (ClpB family mitochondrial disaggregase; minus strand). Cytogenetic location: 11q13.4.
Variant type: single nucleotide variant.
Coding change: c.1620C>T on transcript NM_001258392.3 (MANE Select); coding-DNA position 1620, C replaced by T.
Protein change: p.Pro540=; no amino-acid change (proline 540 retained).
Molecular consequence: synonymous variant.
Genome position (GRCh38, 1-based): chr11:72,294,385, G>A on the plus strand (C>T on the coding strand, the complement: CLPB is on the minus strand). VCF-style: chr11-72294385-G-A. GRCh37 (hg19) VCF-style: chr11-72005429-G-A.
Other names: c.1533C>T, p.Pro511= (NM_001258393.3); c.1575C>T, p.Pro525= (NM_001258394.3); c.1710C>T, p.Pro570= (NM_030813.6).
Identifiers: ClinVar variation 745484 (VCV000745484.14), dbSNP rs200970392, ClinGen allele CA6171099.
Genomic context (GRCh38, chr11:72,294,385, plus strand): 5'-TCTCTTGGCCCAGAAGTTTAGTTCCTTGTTGACGAGTTGGATGAGCTCCGAGTGGCAGAA[G>A]GGGAGGAAGTAGACGATCTCATTGATCCGTCCCAGAAACTCATCCCTCCGGAAGTGAGCC-3'
Protein context (NP_001245321.1, residues 530-550): GRINEIVYFL[Pro540=]FCHSELIQLV

ClinVar aggregate classification (germline): Likely benign. Review status: criteria provided, multiple submitters, no conflicts (2 of 4 stars). 3 submissions from 3 submitters: Likely benign (2). 1 of the submissions does not count toward it. Last evaluated 2024-12-04.

Conditions:
CLPB-related disorder. Also called: CLPB-related condition.
3-methylglutaconic aciduria, type VIIB (MGCA7B). Also called: CLPB Deficiency; 3-methylglutaconic aciduria with cataracts, neurologic involvement and neutropenia; 3-methylglutaconic aciduria, type VII, with cataracts, neurologic involvement and neutropenia. Identifiers: Orphanet 445038, MedGen C5676893, MONDO:0014561, OMIM 616271.

Allele frequency attached by ClinVar (database versions not stated): gnomAD exomes 0.00001 and 0.00002; ExAC 0.00002; TOPMed 0.00006; ESP Exome Variant Server 0.00008; 1000 Genomes Project 30x 0.00016; 1000 Genomes Project 0.00020.
gnomAD v4.1: 36 of 1,614,252 alleles (0.0022%); highest among the groups gnomAD compares: Non-Finnish European, 0.0027%; no homozygotes.

Submissions (3):

Labcorp Genetics (formerly Invitae), Labcorp
Classification: Likely benign for 3-methylglutaconic aciduria, type VIIB. Last evaluated: 2024-12-04. Review status: criteria provided, single submitter. Criteria: Invitae Variant Classification Sherloc (09022015). Collection method: clinical testing. Allele origin: germline.

Blueprint Genetics
Classification: Likely benign. Last evaluated: 2024-06-07. Review status: criteria provided, single submitter. Criteria: ACMG Guidelines, 2015. Collection method: clinical testing. Allele origin: germline.

PreventionGenetics, part of Exact Sciences
Classification: Likely benign for CLPB-related condition. Last evaluated: 2021-04-08. Review status: no assertion criteria provided. Collection method: clinical testing. Allele origin: germline. Not counted in ClinVar's aggregate classification.
Comment: This variant is classified as likely benign based on ACMG/AMP sequence variant interpretation guidelines (Richards et al. 2015 PMID: 25741868, with internal and published modifications).